The following is an entry in ClinVar:

ClinVar aggregate classification (germline): Uncertain significance (1 of 4 stars; one submission).

Submission:

Labcorp Genetics (formerly Invitae), Labcorp
Classification: Uncertain significance. Last evaluated: 2021-03-22. Review status: criteria provided, single submitter. Criteria: Invitae Variant Classification Sherloc (09022015). Collection method: clinical testing. Allele origin: germline.
Comment: In summary, the available evidence is currently insufficient to determine the role of this variant in disease. Therefore, it has been classified as a Variant of Uncertain Significance. Algorithms developed to predict the effect of missense changes on protein structure and function (SIFT, PolyPhen-2, Align-GVGD) all suggest that this variant is likely to be tolerated, but these predictions have not been confirmed by published functional studies and their clinical significance is uncertain. This variant has not been reported in the literature in individuals with CACNA1F-related conditions. This variant is not present in population databases (ExAC no frequency). This sequence change replaces aspartic acid with alanine at codon 1699 of the CACNA1F protein (p.Asp1699Ala). The aspartic acid residue is moderately conserved and there is a moderate physicochemical difference between aspartic acid and alanine.

NM_001256789.3(CACNA1F):c.5063A>C (p.Asp1688Ala)

Gene: CACNA1F (calcium voltage-gated channel subunit alpha1 F; minus strand). Cytogenetic location: Xp11.23.
Variant type: single nucleotide variant.
Coding change: c.5063A>C on transcript NM_001256789.3 (MANE Select); coding-DNA position 5063, A replaced by C.
Protein change: p.Asp1688Ala; replaces aspartic acid 1688 with alanine.
Molecular consequence: missense variant.
Genome position (GRCh38, 1-based): chrX:49,208,575, T>G on the plus strand (A>C on the coding strand, the complement: CACNA1F is on the minus strand). VCF-style: chrX-49208575-T-G. GRCh37 (hg19) VCF-style: chrX-49065035-T-G.
Other names: c.4901A>C, p.Asp1634Ala (NM_001256790.3); c.5096A>C, p.Asp1699Ala (NM_005183.4); short protein forms D1634A, D1688A, D1699A.
Identifiers: ClinVar variation 1441003 (VCV001441003.8), dbSNP rs370973988, ClinGen allele CA412959163.